The following is an entry in ClinVar:

ClinVar aggregate classification (germline): Uncertain significance (1 of 4 stars; one submission).

gnomAD v4.1: 1 of 1,614,014 alleles (0.000062%); highest among the groups gnomAD compares: Admixed American, 0.0017%; no homozygotes.

Submission:

Labcorp Genetics (formerly Invitae), Labcorp
Classification: Uncertain significance. Last evaluated: 2025-02-06. Review status: criteria provided, single submitter. Criteria: Invitae Variant Classification Sherloc (09022015). Collection method: clinical testing. Allele origin: germline.
Comment: This sequence change replaces leucine, which is neutral and non-polar, with serine, which is neutral and polar, at codon 326 of the UGT1A1 protein (p.Leu326Ser). This variant is not present in population databases (gnomAD no frequency). This variant has not been reported in the literature in individuals affected with UGT1A1-related conditions. ClinVar contains an entry for this variant (Variation ID: 2890537). Invitae Evidence Modeling of protein sequence and biophysical properties (such as structural, functional, and spatial information, amino acid conservation, physicochemical variation, residue mobility, and thermodynamic stability) indicates that this missense variant is expected to disrupt UGT1A1 protein function with a positive predictive value of 80%. In summary, the available evidence is currently insufficient to determine the role of this variant in disease. Therefore, it has been classified as a Variant of Uncertain Significance.

NM_000463.3(UGT1A1):c.977T>C (p.Leu326Ser)

Genes: UGT1A6 (UDP glucuronosyltransferase family 1 member A6; plus strand), UGT1A5 (UDP glucuronosyltransferase family 1 member A5; plus strand), UGT1A (UDP glucuronosyltransferase family 1 member A complex locus; plus strand), UGT1A1 (UDP glucuronosyltransferase family 1 member A1; plus strand), UGT1A10 (UDP glucuronosyltransferase family 1 member A10; plus strand) and 5 more. Cytogenetic location: 2q37.1.
Variant type: single nucleotide variant.
Coding change: c.977T>C on transcript NM_000463.3 (MANE Select); coding-DNA position 977, T replaced by C.
Protein change: p.Leu326Ser; replaces leucine 326 with serine.
Molecular consequence: missense variant.
Genome position (GRCh38, 1-based): chr2:233,767,146, T>C. VCF-style: chr2-233767146-T-C. GRCh37 (hg19) VCF-style: chr2-234675792-T-C.
Other names: c.968T>C, p.Leu323Ser (NM_019075.4, NM_019076.5, NM_019077.3 and 1 more transcripts); c.980T>C, p.Leu327Ser (NM_019093.4, NM_019078.2, NM_007120.3); c.974T>C, p.Leu325Ser (NM_001072.4); c.173T>C, p.Leu58Ser (NM_205862.3); short protein forms L325S, L327S, L326S, L58S, L323S.
Identifiers: ClinVar variation 2890537 (VCV002890537.3), dbSNP rs372326047, ClinGen allele CA351072332.